The following is an entry in ClinVar:

NM_002500.5(NEUROD1):c.337C>T (p.Arg113Cys)

Gene: NEUROD1 (neuronal differentiation 1; minus strand). Cytogenetic location: 2q31.3.
Variant type: single nucleotide variant.
Coding change: c.337C>T on transcript NM_002500.5 (MANE Select); coding-DNA position 337, C replaced by T.
Protein change: p.Arg113Cys; replaces arginine 113 with cysteine.
Molecular consequence: missense variant.
Genome position (GRCh38, 1-based): chr2:181,678,524, G>A on the plus strand (C>T on the coding strand, the complement: NEUROD1 is on the minus strand). VCF-style: chr2-181678524-G-A. GRCh37 (hg19) VCF-style: chr2-182543251-G-A.
Other names: short protein forms R113C.
Identifiers: ClinVar variation 2691385 (VCV002691385.1), dbSNP rs2468610665, ClinGen allele CA349785920.

ClinVar aggregate classification (germline): Uncertain significance (1 of 4 stars; one submission).

Submission:

Women's Health and Genetics/Laboratory Corporation of America, LabCorp
Classification: Uncertain significance. Last evaluated: 2023-12-22. Review status: criteria provided, single submitter. Criteria: LabCorp Variant Classification Summary - May 2015. Collection method: clinical testing. Allele origin: germline.
Comment: Variant summary: NEUROD1 c.337C>T (p.Arg113Cys) results in a non-conservative amino acid change located in the Myc-type, basic helix-loop-helix (bHLH) domain (IPR011598) of the encoded protein sequence. Five of five in-silico tools predict a damaging effect of the variant on protein function. The variant was absent in 251492 control chromosomes. The available data on variant occurrences in the general population are insufficient to allow any conclusion about variant significance. To our knowledge, no occurrence of c.337C>T in individuals affected with Monogenic Diabetes and no experimental evidence demonstrating its impact on protein function have been reported. No submitters have cited clinical-significance assessments for this variant to ClinVar after 2014. Based on the evidence outlined above, the variant was classified as uncertain significance.